The following is an entry in ClinVar:

ClinVar aggregate classification (germline): Pathogenic. Review status: criteria provided, multiple submitters, no conflicts (2 of 4 stars). 2 submissions from 2 submitters: Pathogenic (2). Last evaluated 2022-08-03.

Conditions:
Hereditary cancer-predisposing syndrome. Also called: Hereditary neoplastic syndrome; Hereditary Cancer Syndrome; Neoplastic Syndromes, Hereditary; Tumor predisposition. Identifiers: Orphanet 140162, MedGen C0027672, MeSH D009386, MONDO:0015356.
Fanconi anemia (FA). Also called: Fanconi's anemia. Identifiers: Orphanet 84, MedGen C0015625, MeSH D005199, MONDO:0019391.

Submissions (2):

Ambry Genetics
Classification: Pathogenic for Hereditary cancer-predisposing syndrome. Last evaluated: 2022-08-03. Review status: criteria provided, single submitter. Criteria: Ambry Variant Classification Scheme 2023. Collection method: clinical testing. Allele origin: germline.
Comment: The c.863delC pathogenic mutation, located in coding exon 8 of the FANCC gene, results from a deletion of one nucleotide at nucleotide position 863, causing a translational frameshift with a predicted alternate stop codon (p.P288Lfs*25). This alteration is expected to result in loss of function by premature protein truncation or nonsense-mediated mRNA decay. As such, this alteration is interpreted as a disease-causing mutation.

Labcorp Genetics (formerly Invitae), Labcorp
Classification: Pathogenic for Fanconi anemia. Last evaluated: 2021-07-20. Review status: criteria provided, single submitter. Criteria: Invitae Variant Classification Sherloc (09022015). Collection method: clinical testing. Allele origin: germline.
Comment: This sequence change creates a premature translational stop signal (p.Pro288Leufs*25) in the FANCC gene. It is expected to result in an absent or disrupted protein product. Loss-of-function variants in FANCC are known to be pathogenic (PMID: 17924555). This variant is not present in population databases (ExAC no frequency). This variant has not been reported in the literature in individuals affected with FANCC-related conditions. For these reasons, this variant has been classified as Pathogenic.

Literature cited by the submitters: PubMed 17924555 (cited by Labcorp Genetics (formerly Invitae), Labcorp).

NM_000136.3(FANCC):c.863del (p.Pro288fs)

Genes: FANCC (FA complementation group C; minus strand), AOPEP (aminopeptidase O (putative); plus strand). Cytogenetic location: 9q22.32.
Variant type: Deletion.
Coding change: c.863del on transcript NM_000136.3 (MANE Select); coding-DNA position 863, one base deleted (C; older notation c.863delC).
Protein change: p.Pro288fs; shifts the reading frame from proline 288.
Molecular consequence: frameshift variant.
Genome position (GRCh38, 1-based): chr9:95,126,562, G deleted on the plus strand (C on the coding strand, the reverse complement: FANCC is on the minus strand); the first of 3 consecutive G bases (chr9:95,126,562-95,126,564); deleting any one gives the same sequence. VCF-style (leftmost placement, unchanged base first): chr9-95126561-AG-A. GRCh37 (hg19) VCF-style: chr9-97888843-AG-A.
Other names: c.863del, p.Pro288fs (NM_001243743.2, NM_001243744.2); short protein forms P288fs.
Identifiers: ClinVar variation 1406812 (VCV001406812.8), dbSNP rs2134968283, ClinGen allele CA2573144813.